The following is an entry in ClinVar:

NM_000891.3(KCNJ2):c.1215C>A (p.Asp405Glu)

Gene: KCNJ2 (potassium inwardly rectifying channel subfamily J member 2; plus strand). Cytogenetic location: 17q24.3.
Variant type: single nucleotide variant.
Coding change: c.1215C>A on transcript NM_000891.3 (MANE Select); coding-DNA position 1215, C replaced by A.
Protein change: p.Asp405Glu; replaces aspartic acid 405 with glutamic acid.
Molecular consequence: missense variant.
Genome position (GRCh38, 1-based): chr17:70,176,254, C>A. VCF-style: chr17-70176254-C-A. GRCh37 (hg19) VCF-style: chr17-68172395-C-A.
Other names: short protein forms D405E.
Identifiers: ClinVar variation 1373336 (VCV001373336.8), dbSNP rs863224374, ClinGen allele CA400864031.

ClinVar aggregate classification (germline): Uncertain significance (1 of 4 stars; one submission).

Conditions:
Andersen Tawil syndrome (LQT7). Also called: Andersen Syndrome; ANDERSEN CARDIODYSRHYTHMIC PERIODIC PARALYSIS; LONG QT SYNDROME 7; PERIODIC PARALYSIS, POTASSIUM-SENSITIVE CARDIODYSRHYTHMIC TYPE; Potassium-sensitive periodic paralysis, ventricular ectopy, and dysmorphic features. Identifiers: Orphanet 37553, MedGen C1563715, MONDO:0008222, OMIM 170390.
Short QT syndrome type 3. Identifiers: Orphanet 51083, MedGen C1865018, MONDO:0012314, OMIM 609622.

Submission:

Labcorp Genetics (formerly Invitae), Labcorp
Classification: Uncertain significance for Short QT syndrome type 3; Andersen Tawil syndrome. Last evaluated: 2023-10-04. Review status: criteria provided, single submitter. Criteria: Invitae Variant Classification Sherloc (09022015). Collection method: clinical testing. Allele origin: germline.
Comment: This sequence change replaces aspartic acid, which is acidic and polar, with glutamic acid, which is acidic and polar, at codon 405 of the KCNJ2 protein (p.Asp405Glu). This variant is not present in population databases (gnomAD no frequency). This variant has not been reported in the literature in individuals affected with KCNJ2-related conditions. ClinVar contains an entry for this variant (Variation ID: 1373336). An algorithm developed to predict the effect of missense changes on protein structure and function (PolyPhen-2) suggests that this variant is likely to be tolerated. In summary, the available evidence is currently insufficient to determine the role of this variant in disease. Therefore, it has been classified as a Variant of Uncertain Significance.